The following is an entry in ClinVar:

ClinVar aggregate classification (germline): Likely pathogenic (1 of 4 stars; one submission).

Conditions:
Congenital factor V deficiency. Also called: LABILE FACTOR DEFICIENCY; OWREN PARAHEMOPHILIA; PARAHEMOPHILIA; Hereditary factor V deficiency disease. Identifiers: Orphanet 326, MedGen C0015499, MONDO:0009210, OMIM 227400.

gnomAD v4.1: 3 of 1,614,010 alleles (0.00019%); highest among the groups gnomAD compares: Non-Finnish European, 0.00025%; no homozygotes.

Submission:

Women's Health and Genetics/Laboratory Corporation of America, LabCorp
Classification: Likely pathogenic for Congenital factor V deficiency. Last evaluated: 2024-11-15. Review status: criteria provided, single submitter. Criteria: LabCorp Variant Classification Summary - May 2015. Collection method: clinical testing. Allele origin: germline.
Comment: Variant summary: F5 c.6182G>A (p.Cys2061Tyr) results in a non-conservative amino acid change located in the Coagulation factor 5/8 C-terminal domain, discoidin domain (IPR000421) of the encoded protein sequence. Five of five in-silico tools predict a damaging effect of the variant on protein function. The variant allele was found at a frequency of 4e-06 in 251188 control chromosomes. c.6182G>A has been reported in the literature in trans with a pathogenic variant in at least 1 individual affected with autosomal recessive Factor V Deficiency (example, Paraboschi_2020). At least one publication reports experimental evidence evaluating an impact on protein function. The most pronounced variant effect results in <10% of normal activity in vitro (example, Paraboschi_2020). The following publication has been ascertained in the context of this evaluation (PMID: 31399523). No submitters have cited clinical-significance assessments for this variant to ClinVar. Based on the evidence outlined above, the variant was classified as likely pathogenic.

Literature cited by the submitters: PubMed 31399523.

NM_000130.5(F5):c.6182G>A (p.Cys2061Tyr)

Gene: F5 (coagulation factor V; minus strand). Cytogenetic location: 1q24.2.
Variant type: single nucleotide variant.
Coding change: c.6182G>A on transcript NM_000130.5 (MANE Select); coding-DNA position 6182, G replaced by A.
Protein change: p.Cys2061Tyr; replaces cysteine 2061 with tyrosine.
Molecular consequence: missense variant.
Genome position (GRCh38, 1-based): chr1:169,520,531, C>T on the plus strand (G>A on the coding strand, the complement: F5 is on the minus strand). VCF-style: chr1-169520531-C-T. GRCh37 (hg19) VCF-style: chr1-169489769-C-T.
Other names: short protein forms C2061Y.
Identifiers: ClinVar variation 3629620 (VCV003629620.1).